The following is an entry in ClinVar:

ClinVar aggregate classification (germline): Uncertain significance. Review status: criteria provided, multiple submitters, no conflicts (2 of 4 stars). 2 submissions from 2 submitters: Uncertain significance (2). Last evaluated 2024-05-30.

Conditions:
Nephronophthisis 15 (NPHP15). Identifiers: Orphanet 3156, MedGen C3541853, MONDO:0013917, OMIM 614845.

Allele frequency attached by ClinVar (database versions not stated): gnomAD 0.00001; gnomAD exomes 0.00001.
gnomAD v4.1: 7 of 1,613,612 alleles (0.00043%); highest among the groups gnomAD compares: Non-Finnish European, 0.00059%; no homozygotes.

Submissions (2):

Fulgent Genetics
Classification: Uncertain significance for Nephronophthisis 15. Last evaluated: 2024-05-30. Review status: criteria provided, single submitter. Criteria: ACMG Guidelines, 2015. Collection method: clinical testing. Allele origin: germline.

Labcorp Genetics (formerly Invitae), Labcorp
Classification: Uncertain significance for Nephronophthisis 15. Last evaluated: 2022-02-23. Review status: criteria provided, single submitter. Criteria: Invitae Variant Classification Sherloc (09022015). Collection method: clinical testing. Allele origin: germline.
Comment: In summary, the available evidence is currently insufficient to determine the role of this variant in disease. Therefore, it has been classified as a Variant of Uncertain Significance. Algorithms developed to predict the effect of missense changes on protein structure and function (SIFT, PolyPhen-2, Align-GVGD) all suggest that this variant is likely to be tolerated. ClinVar contains an entry for this variant (Variation ID: 1059885). This variant has not been reported in the literature in individuals affected with CEP164-related conditions. This variant is present in population databases (no rsID available, gnomAD 0.002%). This sequence change replaces lysine, which is basic and polar, with arginine, which is basic and polar, at codon 969 of the CEP164 protein (p.Lys969Arg).

NM_014956.5(CEP164):c.2906A>G (p.Lys969Arg)

Gene: CEP164 (centrosomal protein 164; plus strand). Cytogenetic location: 11q23.3.
Variant type: single nucleotide variant.
Coding change: c.2906A>G on transcript NM_014956.5 (MANE Select); coding-DNA position 2906, A replaced by G.
Protein change: p.Lys969Arg; replaces lysine 969 with arginine.
Molecular consequence: missense variant.
Genome position (GRCh38, 1-based): chr11:117,395,184, A>G. VCF-style: chr11-117395184-A-G. GRCh37 (hg19) VCF-style: chr11-117265900-A-G.
Other names: c.2915A>G, p.Lys972Arg (NM_001271933.2); short protein forms K969R, K972R.
Identifiers: ClinVar variation 1059885 (VCV001059885.11), dbSNP rs1416554475, ClinGen allele CA382730648.